The following is an entry in ClinVar:

ClinVar aggregate classification (germline): Pathogenic. Review status: criteria provided, multiple submitters, no conflicts (2 of 4 stars). 7 submissions from 7 submitters: Pathogenic (7). Last evaluated 2025-12-23.

Conditions:
Hereditary cancer-predisposing syndrome. Also called: Hereditary Cancer Syndrome; Hereditary neoplastic syndrome; Tumor predisposition; Neoplastic Syndromes, Hereditary. Identifiers: Orphanet 140162, MedGen C0027672, MeSH D009386, MONDO:0015356.
Multiple endocrine neoplasia, type 2 (MEN2). Identifiers: Orphanet 653, MedGen C4048306, MONDO:0019003. Disease mechanism: gain of function.
Multiple endocrine neoplasia type 2A. Also called: MULTIPLE ENDOCRINE NEOPLASIA, TYPE IIA; PTC SYNDROME; SIPPLE SYNDROME; MEN 2A; MEN-2A syndrome; Pheochromocytoma and amyloid producing medullary thyroid carcinoma. Identifiers: Orphanet 247698, Orphanet 653, MedGen C0025268, MeSH D018813, MONDO:0008234, OMIM 171400.

Allele frequency attached by ClinVar (database versions not stated): TOPMed 0.00001.

Submissions (7):

Dasa
Classification: Pathogenic. Last evaluated: 2025-12-23. Review status: criteria provided, single submitter. Criteria: DASA Assertion Criteria. Collection method: clinical testing. Allele origin: germline.
Comment: NM_020975.6(RET):c.1853G>A (p.Cys618Tyr) is a missense variant that results in the substitution of cysteine with tyrosine. The affected residue or protein region has prior evidence supporting clinical relevance. Segregation evidence has been reported in affected families. This variant has been recurrently observed in individuals with related phenotype (PMID: 8103403; PMID: 19469690; PMID: 25628771; PMID: 7824936; PMID: 9174404). Multiple computational predictions support a deleterious effect on the gene or gene product. The variant is present at low frequency in population datasets. Based on the available data, this variant is classified as pathogenic.

Clinical Genetics Laboratory, Skane University Hospital Lund
Classification: Pathogenic for Multiple endocrine neoplasia type 2A. Last evaluated: 2025-05-06. Review status: criteria provided, single submitter. Criteria: ACMG Guidelines, 2015. Collection method: clinical testing. Allele origin: germline. Affected: yes.
Comment: PS3, PS4, PM2, PM5, PP3

Center for Genomic Medicine, Rigshospitalet, Copenhagen University Hospital
Classification: Pathogenic. Last evaluated: 2025-03-04. Review status: criteria provided, single submitter. Criteria: ACMG Guidelines, 2015. Collection method: clinical testing. Allele origin: germline.

Labcorp Genetics (formerly Invitae), Labcorp
Classification: Pathogenic for Multiple endocrine neoplasia, type 2. Last evaluated: 2024-05-21. Review status: criteria provided, single submitter. Criteria: Invitae Variant Classification Sherloc (09022015). Collection method: clinical testing. Allele origin: germline.
Comment: This sequence change replaces cysteine, which is neutral and slightly polar, with tyrosine, which is neutral and polar, at codon 618 of the RET protein (p.Cys618Tyr). This variant is not present in population databases (gnomAD no frequency). This missense change has been observed in individuals with multiple endocrine neoplasia type 2A and familial medullary thyroid cancer (PMID: 8103403, 20516206, 21765987, 25628771). It has also been observed to segregate with disease in related individuals. ClinVar contains an entry for this variant (Variation ID: 24901). An algorithm developed to predict the effect of missense changes on protein structure and function (PolyPhen-2) suggests that this variant is likely to be disruptive. Experimental studies have shown that this missense change affects RET function (PMID: 7824936, 9174404, 9230192, 9879991). This variant disrupts the p.Cys618 amino acid residue in RET. Other variant(s) that disrupt this residue have been determined to be pathogenic (PMID: 7915165, 9384613, 9498388, 9839497, 20979234, 22068382; Invitae). This suggests that this residue is clinically significant, and that variants that disrupt this residue are likely to be disease-causing. For these reasons, this variant has been classified as Pathogenic.

Ambry Genetics
Classification: Pathogenic for Hereditary cancer-predisposing syndrome. Last evaluated: 2024-03-12. Review status: criteria provided, single submitter. Criteria: Ambry Variant Classification Scheme 2023. Collection method: clinical testing. Allele origin: germline.
Comment: The p.C618Y pathogenic mutation (also known as c.1853G>A), located in coding exon 10 of the RET gene, results from a G to A substitution at nucleotide position 1853. The cysteine at codon 618 is replaced by tyrosine, an amino acid with highly dissimilar properties. This variant has been reported in multiple individuals diagnosed with medullary thyroid carcinoma (MTC) and/or MEN2A (Frank-Raue K et al. Hum Mutat. 2011 Jan;32(1):51-8; Landsvater RM et al. Hum Genet. 1996 Jan;97(1):11-4; Quayle FJ et al. Surgery 2007 Dec;142(6):800-5; discussion 805.e1; Zhao JQ et al. Hered Cancer Clin Pract. 2015 Jan;13(1):5). In addition, several other missense alterations that change the cysteine at codon 618 have been reported in the literature as disease-causing mutations (Landsvater RM et al. Hum Genet. 1996 Jan;97(1):11-4). This variant is considered to be rare based on population cohorts in the Genome Aggregation Database (gnomAD). The American Thyroid Association categorizes alterations to the C618 residue, including p.C618Y, in the B-level risk group and has made mutation specific guidelines available (Kloos RT et al. Thyroid 2009 Jun; 19(6):565-612). Based on the supporting evidence, this alteration is interpreted as a disease-causing mutation.

GeneDx
Classification: Pathogenic. Last evaluated: 2023-11-30. Review status: criteria provided, single submitter. Criteria: GeneDx Variant Classification Process June 2021. Collection method: clinical testing. Allele origin: germline. Affected: yes.
Comment: Published functional studies demonstrate a damaging effect: increased transforming activity and homodimer formation (PMID: 9230192); In silico analysis supports that this missense variant has a deleterious effect on protein structure/function; Not observed in large population cohorts (gnomAD); This variant is associated with the following publications: (PMID: 9879991, 9498388, 20979234, 23660264, 9839497, 8918855, 10490816, 7824936, 9174404, 19469690, 9384613, 7915165, 22068382, 26343386, 9699127, 7608256, 22747440, 8103403, 18063059, 20516206, 21765987, 11230481, 9761126, 31510104, 14633923, 29020875, 30666164, 26582918, 35053433, 37046785, 33827484, 32665702, 25628771, 9230192)

Women's Health and Genetics/Laboratory Corporation of America, LabCorp
Classification: Pathogenic for Multiple endocrine neoplasia, type 2. Last evaluated: 2021-01-07. Review status: criteria provided, single submitter. Criteria: LabCorp Variant Classification Summary - May 2015. Collection method: clinical testing. Allele origin: germline.
Comment: Variant summary: RET c.1853G>A (p.Cys618Tyr) results in a non-conservative amino acid change located at a critical residue within the encoded protein sequence. Five of five in-silico tools predict a damaging effect of the variant on protein function. The variant was absent in 249080 control chromosomes. c.1853G>A has been widely reported in the literature in multiple individuals affected with Multiple Endocrine Neoplasia Type 2/Familial Medullary Thyroid Carcinoma and subsequently cited by others (example, Donis-Keller_1993, Chiefari_1998, Beldjord_1995, Kimura_1995, Landsvater_1996). These data indicate that the variant is very likely to be associated with disease. At least one publication reports experimental evidence evaluating an impact on protein function. The most pronounced variant effect results in transforming activity of the RET proto-oncogene and reduced cell surface expression suggesting the potential to develop Hirschsprung's disease in addition to MEN 2A and FMTC (Ito_1997). Three clinical diagnostic laboratories have submitted clinical-significance assessments for this variant to ClinVar after 2014 without evidence for independent evaluation. All laboratories classified the variant as pathogenic citing overlapping evidence utilized in the context of this evaluation. Based on the evidence outlined above, the variant was classified as pathogenic.

Literature cited by the submitters: PubMed 8103403 (cited by 3 submitters); PubMed 19469690 (cited by Dasa and Ambry Genetics); PubMed 25628771 (cited by 3 submitters); PubMed 7824936 (cited by Dasa and Labcorp Genetics (formerly Invitae), Labcorp); PubMed 9174404 (cited by Dasa and Labcorp Genetics (formerly Invitae), Labcorp); PubMed 9230192 (cited by 3 submitters); PubMed 9879991 (cited by Dasa and Labcorp Genetics (formerly Invitae), Labcorp); PubMed 20516206 (cited by Dasa and Labcorp Genetics (formerly Invitae), Labcorp); PubMed 21765987 (cited by Dasa and Labcorp Genetics (formerly Invitae), Labcorp); PubMed 33827484 (cited by Center for Genomic Medicine, Rigshospitalet, Copenhagen University Hospital); PubMed 20979234 (cited by Center for Genomic Medicine, Rigshospitalet, Copenhagen University Hospital and Labcorp Genetics (formerly Invitae), Labcorp); PubMed 7915165 (cited by Labcorp Genetics (formerly Invitae), Labcorp); PubMed 9384613 (cited by Labcorp Genetics (formerly Invitae), Labcorp); PubMed 9498388 (cited by Labcorp Genetics (formerly Invitae), Labcorp); PubMed 9839497 (cited by Labcorp Genetics (formerly Invitae), Labcorp); PubMed 22068382 (cited by Labcorp Genetics (formerly Invitae), Labcorp); PubMed 18063059 (cited by Ambry Genetics); PubMed 8918855 (cited by Ambry Genetics); PubMed 7608256 (cited by Women's Health and Genetics/Laboratory Corporation of America, LabCorp); PubMed 9699127 (cited by Women's Health and Genetics/Laboratory Corporation of America, LabCorp); PubMed 9067749 (cited by Women's Health and Genetics/Laboratory Corporation of America, LabCorp); PubMed 8556059 (cited by Women's Health and Genetics/Laboratory Corporation of America, LabCorp); PubMed 8557249 (cited by Women's Health and Genetics/Laboratory Corporation of America, LabCorp).

NM_020975.6(RET):c.1853G>A (p.Cys618Tyr)

Gene: RET (ret proto-oncogene; plus strand). Cytogenetic location: 10q11.21.
Variant type: single nucleotide variant.
Coding change: c.1853G>A on transcript NM_020975.6 (MANE Select); coding-DNA position 1853, G replaced by A.
Protein change: p.Cys618Tyr; replaces cysteine 618 with tyrosine.
Molecular consequence: missense variant.
Genome position (GRCh38, 1-based): chr10:43,113,649, G>A. VCF-style: chr10-43113649-G-A. GRCh37 (hg19) VCF-style: chr10-43609097-G-A.
Other names: c.1853G>A, p.Cys618Tyr (NM_000323.2, NM_001406743.1, NM_001406744.1 and 6 more transcripts); c.1091G>A, p.Cys364Tyr (NM_001355216.2); c.1565G>A, p.Cys522Tyr (NM_001406766.1, NM_001406767.1, NM_001406770.1); c.1724G>A, p.Cys575Tyr (NM_001406768.1, NM_001406761.1, NM_001406762.1 and 1 more transcripts); c.1457G>A, p.Cys486Tyr (NM_001406769.1, NM_001406772.1); c.1415G>A, p.Cys472Tyr (NM_001406771.1, NM_001406773.1); c.1328G>A, p.Cys443Tyr (NM_001406774.1); c.1127G>A, p.Cys376Tyr (NM_001406775.1, NM_001406776.1, NM_001406777.1 and 1 more transcripts); and 5 more; short protein forms C364Y, C223Y, C288Y, C522Y, C135Y, C276Y, C443Y, C472Y.
Identifiers: ClinVar variation 24901 (VCV000024901.27), dbSNP rs79781594, ClinGen allele CA008005.